The following is an entry in ClinVar:

ClinVar aggregate classification (germline): Pathogenic/Likely pathogenic. Review status: criteria provided, multiple submitters, no conflicts (2 of 4 stars). 4 submissions from 4 submitters: Pathogenic (3); Likely pathogenic (1). Last evaluated 2025-07-11.

Conditions:
Neurofibromatosis, type 1 (NF1). Also called: VON RECKLINGHAUSEN DISEASE; NEUROFIBROMATOSIS, TYPE I, SOMATIC; Peripheral type neurofibromatosis; Neurofibromatosis, type I. Identifiers: Orphanet 636, MedGen C0027831, MONDO:0018975, OMIM 162200. Disease mechanism: loss of function.

Submissions (4):

Mayo Clinic Laboratories, Mayo Clinic
Classification: Likely pathogenic. Last evaluated: 2025-07-11. Review status: criteria provided, single submitter. Criteria: ACMG Guidelines, 2015. Collection method: clinical testing. Allele origin: germline. Observed: 1 variant allele.
Comment: PM2_supporting, PVS1

Labcorp Genetics (formerly Invitae), Labcorp
Classification: Pathogenic for Neurofibromatosis, type 1. Last evaluated: 2023-10-07. Review status: criteria provided, single submitter. Criteria: Invitae Variant Classification Sherloc (09022015). Collection method: clinical testing. Allele origin: germline.
Comment: This sequence change affects a donor splice site in intron 47 of the NF1 gene. It is expected to disrupt RNA splicing. Variants that disrupt the donor or acceptor splice site typically lead to a loss of protein function (PMID: 16199547), and loss-of-function variants in NF1 are known to be pathogenic (PMID: 10712197, 23913538). This variant is not present in population databases (gnomAD no frequency). Disruption of this splice site has been observed in individuals with neurofibromatosis type 1 (PMID: 23913538; Invitae). This variant is also known as c.7189+1G>C. ClinVar contains an entry for this variant (Variation ID: 951449). Algorithms developed to predict the effect of sequence changes on RNA splicing suggest that this variant may disrupt the consensus splice site. For these reasons, this variant has been classified as Pathogenic.

3billion
Classification: Pathogenic for Neurofibromatosis, type 1. Last evaluated: 2022-05-22. Review status: criteria provided, single submitter. Criteria: ACMG Guidelines, 2015. Collection method: clinical testing. Allele origin: germline. Affected: yes. Observed: 1 heterozygote.
Comment: The variant is not observed in the gnomAD v2.1.1 dataset. Canonical splice site: predicted to alter splicing and result in a loss or disruption of normal protein function. Multiple pathogenic loss-of-function variants are reported downstream of the variant. The variant has been reported to be associated with NF1- related disorder (ClinVar ID: VCV000951449). Therefore, this variant is classified as pathogenic according to the recommendation of ACMG/AMP guideline.

Genome-Nilou Lab
Classification: Pathogenic for Neurofibromatosis, type 1. Last evaluated: 2022-03-15. Review status: criteria provided, single submitter. Criteria: ACMG Guidelines, 2015. Collection method: clinical testing. Allele origin: germline. Affected: no.

Literature cited by the submitters: PubMed 23913538 (cited by Mayo Clinic Laboratories, Mayo Clinic and Labcorp Genetics (formerly Invitae), Labcorp); PubMed 16199547 (cited by Labcorp Genetics (formerly Invitae), Labcorp); PubMed 10712197 (cited by Labcorp Genetics (formerly Invitae), Labcorp).

NM_001042492.3(NF1):c.7189+1G>C

Gene: NF1 (neurofibromin 1; plus strand). Cytogenetic location: 17q11.2.
Variant type: single nucleotide variant.
Coding change: c.7189+1G>C on transcript NM_001042492.3 (MANE Select); the canonical splice donor site of the intron after coding-DNA position 7189, G replaced by C.
Molecular consequence: splice donor variant.
Genome position (GRCh38, 1-based): chr17:31,343,136, G>C. VCF-style: chr17-31343136-G-C. GRCh37 (hg19) VCF-style: chr17-29670154-G-C.
Other names: c.7126+1G>C (NM_000267.4).
Identifiers: ClinVar variation 951449 (VCV000951449.10), dbSNP rs1555535455, ClinGen allele CA399015794.